The following is an entry in ClinVar:

NM_001267550.2(TTN):c.63109C>T (p.Arg21037Cys)

Genes: TTN (titin; minus strand), TTN-AS1 (TTN antisense RNA 1; plus strand). Cytogenetic location: 2q31.2.
Variant type: single nucleotide variant.
Coding change: c.63109C>T on transcript NM_001267550.2 (MANE Select); coding-DNA position 63109, C replaced by T.
Protein change: p.Arg21037Cys; replaces arginine 21037 with cysteine.
Molecular consequence: missense variant.
Genome position (GRCh38, 1-based): chr2:178,588,616, G>A on the plus strand (C>T on the coding strand, the complement: TTN is on the minus strand). VCF-style: chr2-178588616-G-A. GRCh37 (hg19) VCF-style: chr2-179453343-G-A.
Other names: p.R19396C:CGT>TGT; c.58186C>T, p.Arg19396Cys (NM_001256850.1); c.35914C>T, p.Arg11972Cys (NM_003319.4); c.55405C>T, p.Arg18469Cys (NM_133378.4); c.36289C>T, p.Arg12097Cys (NM_133432.3); c.36490C>T, p.Arg12164Cys (NM_133437.4); short protein forms R19396C, R21037C, R12164C, R11972C, R18469C, R12097C.
Identifiers: ClinVar variation 202769 (VCV000202769.56), dbSNP rs191549948, ClinGen allele CA310227.

ClinVar aggregate classification (germline): Conflicting classifications of pathogenicity. Review status: criteria provided, conflicting classifications (1 of 4 stars). 13 submissions from 9 submitters: Uncertain significance (5); Benign (2); Likely benign (6). Last evaluated 2026-08-01.

Conditions:
TTN-related disorder. Also called: TTN-related disorders; TTN-related condition; TTN-related disease.
Cardiovascular phenotype. Identifiers: MedGen CN230736.
Autosomal recessive limb-girdle muscular dystrophy type 2J (LGMDR10). Also called: Limb-girdle muscular dystrophy, type 2J; MUSCULAR DYSTROPHY, LIMB-GIRDLE, AUTOSOMAL RECESSIVE 10. Identifiers: Orphanet 140922, MedGen C1837342, MONDO:0012127, OMIM 608807.
Dilated cardiomyopathy 1G (CMD1G). Identifiers: Orphanet 154, MedGen C1858763, MONDO:0011400, OMIM 604145.
Cardiomyopathy (CMYO). Also called: Cardiomyopathies. Identifiers: Orphanet 167848, MedGen C0878544, MONDO:0004994, HP:0001638. Inheritance: Various modes of inheritance.
Myopathy, myofibrillar, 9, with early respiratory failure (MFM9). Also called: Hereditary myopathy with early respiratory failure; EDSTROM MYOPATHY; MYOPATHY, PROXIMAL, WITH EARLY RESPIRATORY MUSCLE INVOLVEMENT; Myopathy, distal, with early respiratory failure, autosomal dominant. Identifiers: Orphanet 178464, Orphanet 34521, MedGen C1863599, MONDO:0011362, OMIM 603689.
Early-onset myopathy with fatal cardiomyopathy (CMYO5). Also called: Salih Myopathy; CONGENITAL MYOPATHY 5 WITH CARDIOMYOPATHY. Identifiers: Orphanet 289377, MedGen C2673677, MONDO:0012714, OMIM 611705. Disease mechanism: loss of function.
Tibial muscular dystrophy (TMD). Also called: Tibial muscular dystrophy, tardive; UDD MYOPATHY; Udd Distal Myopathy – Tibial Muscular Dystrophy. Identifiers: Orphanet 609, MedGen C1838244, MONDO:0010870, OMIM 600334.

Allele frequency attached by ClinVar (database versions not stated): TOPMed 0.00019; ExAC 0.00020; gnomAD exomes 0.00022 and 0.00007; 1000 Genomes Project 30x 0.00109; 1000 Genomes Project 0.00140; gnomAD 0.00016 and 0.00019; ESP Exome Variant Server 0.00017.
gnomAD v4.1: 144 of 1,585,668 alleles (0.0091%); highest among the groups gnomAD compares: Admixed American, 0.085%; 1 homozygote.

Submissions (13):

CeGaT Center for Human Genetics Tuebingen
Classification: Likely benign. Last evaluated: 2026-08-01. Review status: criteria provided, single submitter. Criteria: CeGaT Center For Human Genetics Tuebingen Variant Classification Criteria Version 2. Collection method: clinical testing. Allele origin: germline. Affected: yes. Observed: 3 variant alleles.
Comment: TTN: BS2

PreventionGenetics, part of Exact Sciences
Classification: Uncertain significance for TTN-related condition. Last evaluated: 2026-05-05. Review status: criteria provided, single submitter. Criteria: ACMG Guidelines, 2015. Collection method: clinical testing. Allele origin: germline.
Comment: The TTN c.63109C>T variant is predicted to result in the amino acid substitution p.Arg21037Cys. To our knowledge, this variant has not been reported in the literature. This variant is reported in 0.083% of alleles in individuals of Ashkenazi Jewish descent in gnomAD, which may be too common to be a primary cause of disease. Although we suspect that this variant may be benign, at this time, the clinical significance of this variant is uncertain due to the absence of conclusive functional and genetic evidence.

Molecular Diagnostic Laboratory for Inherited Cardiovascular Disease, Montreal Heart Institute
Classification: Likely benign. Last evaluated: 2025-04-09. Review status: criteria provided, single submitter. Criteria: ACMG Guidelines, 2015. Collection method: clinical testing. Allele origin: germline. Affected: no.

Blueprint Genetics
Classification: Likely benign. Last evaluated: 2024-04-12. Review status: criteria provided, single submitter. Criteria: ACMG Guidelines, 2015. Collection method: clinical testing. Allele origin: germline.

CHEO Genetics Diagnostic Laboratory, Children's Hospital of Eastern Ontario
Classification: Likely benign for Cardiomyopathy. Last evaluated: 2021-09-24. Review status: criteria provided, single submitter. Criteria: ACMG Guidelines, 2015. Collection method: clinical testing. Allele origin: germline.

GeneDx
Classification: Likely benign. Last evaluated: 2020-09-29. Review status: criteria provided, single submitter. Criteria: GeneDx Variant Classification Process June 2021. Collection method: clinical testing. Allele origin: germline. Affected: yes.

Ambry Genetics
Classification: Likely benign for Cardiovascular phenotype. Last evaluated: 2019-06-18. Review status: criteria provided, single submitter. Criteria: Ambry Variant Classification Scheme 2023. Collection method: clinical testing. Allele origin: germline.

Illumina Laboratory Services, Illumina
Classification: Uncertain significance for Dilated cardiomyopathy 1G. Last evaluated: 2018-01-12. Review status: criteria provided, single submitter. Criteria: ICSL Variant Classification Criteria 13 December 2019. Collection method: clinical testing. Allele origin: germline.

Illumina Laboratory Services, Illumina
Classification: Benign for Tibial muscular dystrophy. Last evaluated: 2018-01-12. Review status: criteria provided, single submitter. Criteria: ICSL Variant Classification Criteria 13 December 2019. Collection method: clinical testing. Allele origin: germline.
Comment: This variant was observed in the ICSL laboratory as part of a predisposition screen in an ostensibly healthy population. It had not been previously curated by ICSL or reported in the Human Gene Mutation Database (HGMD: prior to June 1st, 2018), and was therefore a candidate for classification through an automated scoring system. Utilizing variant allele frequency, disease prevalence and penetrance estimates, and inheritance mode, an automated score was calculated to assess if this variant is too frequent to cause the disease. Based on the score and internal cut-off values, a variant classified as benign is not then subjected to further curation. The score for this variant resulted in a classification of benign for this disease.

Illumina Laboratory Services, Illumina
Classification: Uncertain significance for Autosomal recessive limb-girdle muscular dystrophy type 2J. Last evaluated: 2018-01-12. Review status: criteria provided, single submitter. Criteria: ICSL Variant Classification Criteria 13 December 2019. Collection method: clinical testing. Allele origin: germline.

Illumina Laboratory Services, Illumina
Classification: Benign for Myopathy, myofibrillar, 9, with early respiratory failure. Last evaluated: 2018-01-12. Review status: criteria provided, single submitter. Criteria: ICSL Variant Classification Criteria 13 December 2019. Collection method: clinical testing. Allele origin: germline.
Comment: the same text as in the submission from Illumina Laboratory Services, Illumina above.

Illumina Laboratory Services, Illumina
Classification: Uncertain significance for Early-onset myopathy with fatal cardiomyopathy. Last evaluated: 2018-01-12. Review status: criteria provided, single submitter. Criteria: ICSL Variant Classification Criteria 13 December 2019. Collection method: clinical testing. Allele origin: germline.

Labcorp Genetics (formerly Invitae), Labcorp
Classification: Uncertain significance for Dilated cardiomyopathy 1G; Autosomal recessive limb-girdle muscular dystrophy type 2J. Last evaluated: 2017-10-24. Review status: criteria provided, single submitter. Criteria: Invitae Variant Classification Sherloc (09022015). Collection method: clinical testing. Allele origin: germline.